The following is an entry in ClinVar:

NM_001267550.2(TTN):c.12814G>A (p.Val4272Met)

Gene: TTN (titin; minus strand). Cytogenetic location: 2q31.2.
Variant type: single nucleotide variant.
Coding change: c.12814G>A on transcript NM_001267550.2 (MANE Select); coding-DNA position 12814, G replaced by A.
Protein change: p.Val4272Met; replaces valine 4272 with methionine.
Molecular consequence: missense variant. On other transcripts: intron variant (1).
Genome position (GRCh38, 1-based): chr2:178,740,419, C>T on the plus strand (G>A on the coding strand, the complement: TTN is on the minus strand). VCF-style: chr2-178740419-C-T. GRCh37 (hg19) VCF-style: chr2-179605146-C-T.
Other names: c.11863G>A, p.Val3955Met (NM_001256850.1); c.11725G>A, p.Val3909Met (NM_003319.4); c.12100G>A, p.Val4034Met (NM_133432.3); c.12301G>A, p.Val4101Met (NM_133437.4); c.10361-2059G>A (NM_133378.4); short protein forms V3909M, V3955M, V4034M, V4101M, V4272M.
Identifiers: ClinVar variation 1219810 (VCV001219810.12), dbSNP rs768932557, ClinGen allele CA2002666.

ClinVar aggregate classification (germline): Likely benign. Review status: criteria provided, multiple submitters, no conflicts (2 of 4 stars). 3 submissions from 3 submitters: Likely benign (3). Last evaluated 2025-07-01.

Allele frequency attached by ClinVar (database versions not stated): gnomAD 0.00001; TOPMed 0.00001; gnomAD exomes 0.00004 and 0.00010; ExAC 0.00007.
gnomAD v4.1: 140 of 1,613,148 alleles (0.0087%); highest among the groups gnomAD compares: Middle Eastern, 0.033%; 1 homozygote.

Submissions (3):

CeGaT Center for Human Genetics Tuebingen
Classification: Likely benign. Last evaluated: 2025-07-01. Review status: criteria provided, single submitter. Criteria: CeGaT Center For Human Genetics Tuebingen Variant Classification Criteria Version 2. Collection method: clinical testing. Allele origin: germline. Affected: yes. Observed: 1 variant allele.
Comment: TTN: BP4

Blueprint Genetics
Classification: Likely benign. Last evaluated: 2024-10-13. Review status: criteria provided, single submitter. Criteria: ACMG Guidelines, 2015. Collection method: clinical testing. Allele origin: germline.

GeneDx
Classification: Likely benign. Last evaluated: 2019-09-04. Review status: criteria provided, single submitter. Criteria: GeneDx Variant Classification Process June 2021. Collection method: clinical testing. Allele origin: germline. Affected: yes.